The following is an entry in ClinVar:

NM_002900.3(RBP3):c.1641G>A (p.Thr547=)

Gene: RBP3 (retinol binding protein 3; plus strand). Cytogenetic location: 10q11.22.
Variant type: single nucleotide variant.
Coding change: c.1641G>A on transcript NM_002900.3 (MANE Select); coding-DNA position 1641, G replaced by A.
Protein change: p.Thr547=; no amino-acid change (threonine 547 retained).
Molecular consequence: synonymous variant.
Genome position (GRCh38, 1-based): chr10:47,350,125, G>A. VCF-style: chr10-47350125-G-A. GRCh37 (hg19) VCF-style: chr10-48389237-C-T.
Identifiers: ClinVar variation 287043 (VCV000287043.17), dbSNP rs534717081, ClinGen allele CA5487471.

ClinVar aggregate classification (germline): Conflicting classifications of pathogenicity. Review status: criteria provided, conflicting classifications (1 of 4 stars). 6 submissions from 6 submitters: Uncertain significance (2); Likely benign (4). Last evaluated 2026-06-11.

Conditions:
Retinitis pigmentosa (RP). Identifiers: Orphanet 791, MedGen C0035334, MeSH D012174, MONDO:0019200, OMIM 268000. Inheritance: Autosomal dominant, autosomal recessive and X linked inheritance.
Retinal dystrophy. Also called: Inherited retinal dystrophy. Identifiers: Orphanet 71862, MedGen C0854723, MeSH D058499, MONDO:0019118, HP:0000556.
RBP3-related disorder. Also called: RBP3-related condition.

Allele frequency attached by ClinVar (database versions not stated): ExAC 0.00003; TOPMed 0.00006; 1000 Genomes Project 30x 0.00016; 1000 Genomes Project 0.00020.
gnomAD v4.1: 88 of 1,613,006 alleles (0.0055%); highest among the groups gnomAD compares: East Asian, 0.087%; no homozygotes.

Submissions (6):

PreventionGenetics, part of Exact Sciences
Classification: Likely benign for RBP3-related condition. Last evaluated: 2026-06-11. Review status: criteria provided, single submitter. Criteria: ACMG Guidelines, 2015. Collection method: clinical testing. Allele origin: germline.
Comment: This variant is classified as likely benign based on ACMG/AMP sequence variant interpretation guidelines (Richards et al. 2015 PMID: 25741868, with internal and published modifications).

Labcorp Genetics (formerly Invitae), Labcorp
Classification: Likely benign. Last evaluated: 2025-12-08. Review status: criteria provided, single submitter. Criteria: Invitae Variant Classification Sherloc (09022015). Collection method: clinical testing. Allele origin: germline.

Blueprint Genetics
Classification: Likely benign. Last evaluated: 2024-09-24. Review status: criteria provided, single submitter. Criteria: ACMG Guidelines, 2015. Collection method: clinical testing. Allele origin: germline.

Dept Of Ophthalmology, Nagoya University
Classification: Likely benign for Retinal dystrophy. Last evaluated: 2023-10-01. Review status: criteria provided, single submitter. Criteria: Submitter's publication. Collection method: research. Allele origin: germline. Affected: yes.

Illumina Laboratory Services, Illumina
Classification: Uncertain significance for Retinitis pigmentosa. Last evaluated: 2018-01-13. Review status: criteria provided, single submitter. Criteria: ICSL Variant Classification Criteria 13 December 2019. Collection method: clinical testing. Allele origin: germline.

Eurofins Ntd Llc (ga)
Classification: Uncertain significance. Last evaluated: 2016-04-13. Review status: criteria provided, single submitter. Criteria: EGL Classification Definitions 2015. Collection method: clinical testing. Allele origin: germline. Observed: 1 variant allele, 1 heterozygote.